The following is an entry in ClinVar:

NM_203447.4(DOCK8):c.1823C>G (p.Pro608Arg)

Gene: DOCK8 (dedicator of cytokinesis 8; plus strand). Cytogenetic location: 9p24.3.
Variant type: single nucleotide variant.
Coding change: c.1823C>G on transcript NM_203447.4 (MANE Select); coding-DNA position 1823, C replaced by G.
Protein change: p.Pro608Arg; replaces proline 608 with arginine.
Molecular consequence: missense variant.
Genome position (GRCh38, 1-based): chr9:370,255, C>G. VCF-style: chr9-370255-C-G. GRCh37 (hg19) VCF-style: chr9-370255-C-G.
Other names: c.1619C>G, p.Pro540Arg (NM_001190458.2, NM_001193536.2); short protein forms P540R, P608R.
Identifiers: ClinVar variation 1461667 (VCV001461667.7), dbSNP rs189953367, ClinGen allele CA4957960.

ClinVar aggregate classification (germline): Uncertain significance. Review status: criteria provided, multiple submitters, no conflicts (2 of 4 stars). 3 submissions from 3 submitters: Uncertain significance (3). Last evaluated 2024-04-29.

Conditions:
Inborn genetic diseases. Identifiers: MedGen C0950123, MeSH D030342.

Allele frequency attached by ClinVar (database versions not stated): ExAC 0.00001; gnomAD 0.00001; gnomAD exomes 0.00001; TOPMed 0.00002; 1000 Genomes Project 30x 0.00031; 1000 Genomes Project 0.00040.
gnomAD v4.1: 17 of 1,614,108 alleles (0.0011%); highest among the groups gnomAD compares: Middle Eastern, 0.049%; no homozygotes.

Submissions (3):

Labcorp Genetics (formerly Invitae), Labcorp
Classification: Uncertain significance for Combined immunodeficiency due to DOCK8 deficiency. Last evaluated: 2024-04-29. Review status: criteria provided, single submitter. Criteria: Invitae Variant Classification Sherloc (09022015). Collection method: clinical testing. Allele origin: germline.
Comment: This sequence change replaces proline, which is neutral and non-polar, with arginine, which is basic and polar, at codon 608 of the DOCK8 protein (p.Pro608Arg). This variant is present in population databases (rs189953367, gnomAD 0.01%). This variant has not been reported in the literature in individuals affected with DOCK8-related conditions. ClinVar contains an entry for this variant (Variation ID: 1461667). Advanced modeling of protein sequence and biophysical properties (such as structural, functional, and spatial information, amino acid conservation, physicochemical variation, residue mobility, and thermodynamic stability) has been performed at Invitae for this missense variant, however the output from this modeling did not meet the statistical confidence thresholds required to predict the impact of this variant on DOCK8 protein function. In summary, the available evidence is currently insufficient to determine the role of this variant in disease. Therefore, it has been classified as a Variant of Uncertain Significance.

Women's Health and Genetics/Laboratory Corporation of America, LabCorp
Classification: Uncertain significance. Last evaluated: 2022-05-25. Review status: criteria provided, single submitter. Criteria: LabCorp Variant Classification Summary - May 2015. Collection method: clinical testing. Allele origin: germline.
Comment: Variant summary: DOCK8 c.1823C>G (p.Pro608Arg) results in a non-conservative amino acid change located in the C2 DOCK-type domain (IPR027007) of the encoded protein sequence. Four of five in-silico tools predict a damaging effect of the variant on protein function. The variant allele was found at a frequency of 1.2e-05 in 251392 control chromosomes (gnomAD). The available data on variant occurrences in the general population are insufficient to allow any conclusion about variant significance. To our knowledge, no occurrence of c.1823C>G in individuals affected with Severe Combined Immunodeficiency and no experimental evidence demonstrating its impact on protein function have been reported. One ClinVar submitter has assessed the variant since 2014: the variant was classified as of uncertain significance. Based on the evidence outlined above, the variant was classified as uncertain significance.

Ambry Genetics
Classification: Uncertain significance for Inborn genetic diseases. Last evaluated: 2022-04-25. Review status: criteria provided, single submitter. Criteria: Ambry Variant Classification Scheme 2023. Collection method: clinical testing. Allele origin: germline.